The following is an entry in ClinVar:

ClinVar aggregate classification (germline): Pathogenic, low penetrance. Review status: criteria provided, single submitter (1 of 4 stars). 2 submissions from 2 submitters: Pathogenic, low penetrance (1). 1 of the submissions does not count toward it. Last evaluated 2025-09-26.

Conditions:
Atypical hemolytic-uremic syndrome. Identifiers: Orphanet 2134, MedGen C2931788, MONDO:0016244.

Submissions (2):

Genomenon, Inc
Classification: Pathogenic, low penetrance for Atypical hemolytic-uremic syndrome. Last evaluated: 2025-09-26. Review status: criteria provided, single submitter. Criteria: Genomenon Sequence Variant Interpretation Standards - Updated. Collection method: curation. Allele origin: germline. Affected: yes.
Comment: DGKE p.Met1del (c.1A>T) is a variant that disrupts the initiation codon leading to an altered or absent protein product. This variant has been observed in at least one proband affected with atypical hemolytic-uremic syndrome (PMID:32386968). It is absent or not present at a significant frequency in gnomAD. In conclusion, we classify DGKE p.Met1del (c.1A>T) as a pathogenic, low penetrance variant.

Sydney Genome Diagnostics, Children's Hospital Westmead
Classification: Likely pathogenic for Atypical hemolytic-uremic syndrome. Last evaluated: 2017-04-24. Review status: no assertion criteria provided. Collection method: clinical testing. Allele origin: unknown. Affected: yes. Observed: 1 variant allele, 1 homozygote. Not counted in ClinVar's aggregate classification.
Comment: The variant has not been reported in any population databases (i.e. ExAC, ESP or dbSNP). To our knowledge, this variant has not been previously reported in the literature or any variant databases. This variant abolishes the translational initiation codon of the DGKE gene, and is likely to result in haploinsufficiency. This variant is considered to be likely pathogenic according to ACMG guidelines

Literature cited by the submitters: PubMed 32386968 (cited by Genomenon, Inc).

NM_003647.3(DGKE):c.1A>T (p.Met1Leu)

Gene: DGKE (diacylglycerol kinase epsilon; plus strand). Cytogenetic location: 17q22.
Variant type: single nucleotide variant.
Coding change: c.1A>T on transcript NM_003647.3 (MANE Select); coding-DNA position 1, A replaced by T.
Protein change: p.Met1Leu; changes the start codon (methionine 1).
Molecular consequence: missense variant, initiator codon variant.
Genome position (GRCh38, 1-based): chr17:56,834,796, A>T. VCF-style: chr17-56834796-A-T. GRCh37 (hg19) VCF-style: chr17-54912157-A-T.
Other names: short protein forms M1L.
Identifiers: ClinVar variation 988188 (VCV000988188.3), dbSNP rs1906465563, ClinGen allele CA399920081.
Genomic context (GRCh38, chr17:56,834,796, plus strand): 5'-ATGGCGAGCTCGGGGTGCACCGCCTGTTTCTTTTCTGGTTAGGTATCGTCCTTGGAGAAG[A>T]TGGAAGCGGAGAGGCGGCCGGCGCCGGGCTCGCCCTCCGAGGGCCTGTTTGCGGACGGGC-3'
Protein context (NP_003638.1, residues 1-11): [Met1Leu]EAERRPAPGS